The following is an entry in ClinVar:

NM_001034853.2(RPGR):c.2110_2111del (p.Lys704fs)

Gene: RPGR (retinitis pigmentosa GTPase regulator; minus strand). Cytogenetic location: Xp11.4.
Variant type: Deletion.
Coding change: c.2110_2111del on transcript NM_001034853.2 (MANE Select); coding-DNA positions 2110 to 2111, 2 bases deleted (AA; older notation c.2110_2111delAA).
Protein change: p.Lys704fs; shifts the reading frame from lysine 704.
Molecular consequence: frameshift variant. On other transcripts: intron variant (8).
Genome position (GRCh38, 1-based): chrX:38,286,888-38,286,889, TT deleted on the plus strand (AA on the coding strand, the reverse complement: RPGR is on the minus strand). VCF-style (leftmost placement, unchanged base first): chrX-38286887-CTT-C. GRCh37 (hg19) VCF-style: chrX-38146140-CTT-C.
Other names: c.1569+4070_1569+4071del (NM_001367249.1, NM_001367250.1); c.1902+205_1902+206del (NM_001367245.1); c.1386+4070_1386+4071del (NM_001367251.1); c.1719+205_1719+206del (NM_001367246.1); c.1572+4070_1572+4071del (NM_001367247.1); c.1905+205_1905+206del (NM_000328.3); c.1602+4070_1602+4071del (NM_001367248.1); short protein forms K704fs.
Identifiers: ClinVar variation 3655025 (VCV003655025.2).

ClinVar aggregate classification (germline): Pathogenic (1 of 4 stars; one submission).

Conditions:
Primary ciliary dyskinesia. Also called: Ciliary dyskinesia. Identifiers: Orphanet 244, MedGen C0008780, MONDO:0016575, HP:0012265.

Submission:

Labcorp Genetics (formerly Invitae), Labcorp
Classification: Pathogenic for Primary ciliary dyskinesia. Last evaluated: 2024-05-29. Review status: criteria provided, single submitter. Criteria: Invitae Variant Classification Sherloc (09022015). Collection method: clinical testing. Allele origin: germline.
Comment: This sequence change creates a premature translational stop signal (p.Lys704Glufs*65) in the RPGR (ORF15) gene. While this is not anticipated to result in nonsense mediated decay, it is expected to disrupt the last 449 amino acid(s) of the RPGR (ORF15) protein. This variant is not present in population databases (gnomAD no frequency). This variant has not been reported in the literature in individuals affected with RPGR (ORF15)-related conditions. This variant disrupts a region of the RPGR (ORF15) protein in which other variant(s) (p.Leu1130Lysfs*13) have been determined to be pathogenic (PMID: 22264887; Invitae). This suggests that this is a clinically significant region of the protein, and that variants that disrupt it are likely to be disease-causing. For these reasons, this variant has been classified as Pathogenic.

Literature cited by the submitters: PubMed 22264887.